The following is an entry in ClinVar:

ClinVar aggregate classification (germline): Pathogenic (1 of 4 stars; one submission).

Submission:

Labcorp Genetics (formerly Invitae), Labcorp
Classification: Pathogenic. Last evaluated: 2022-12-24. Review status: criteria provided, single submitter. Criteria: Invitae Variant Classification Sherloc (09022015). Collection method: clinical testing. Allele origin: germline.
Comment: This sequence change creates a premature translational stop signal (p.Phe221Trpfs*40) in the TSHR gene. It is expected to result in an absent or disrupted protein product. Loss-of-function variants in TSHR are known to be pathogenic (PMID: 8954020). This variant is not present in population databases (gnomAD no frequency). This variant has not been reported in the literature in individuals affected with TSHR-related conditions. For these reasons, this variant has been classified as Pathogenic.

Literature cited by the submitters: PubMed 8954020.

NM_000369.5(TSHR):c.662_663del (p.Phe221fs)

Genes: TSHR-AS1 (TSHR antisense RNA 1; minus strand), TSHR (thyroid stimulating hormone receptor; plus strand). Cytogenetic location: 14q31.1.
Variant type: Deletion.
Coding change: c.662_663del on transcript NM_000369.5 (MANE Select); coding-DNA positions 662 to 663, 2 bases deleted (TT; older notation c.662_663delTT).
Protein change: p.Phe221fs; shifts the reading frame from phenylalanine 221.
Molecular consequence: frameshift variant.
Genome position (GRCh38, 1-based): chr14:81,108,422-81,108,423, TT deleted; deleting any 2 consecutive bases within chr14:81,108,421-81,108,423 gives the same sequence; the c. name uses the placement nearest the transcript's 3' end. VCF-style (leftmost placement, unchanged base first): chr14-81108420-ATT-A. GRCh37 (hg19) VCF-style: chr14-81574764-ATT-A.
Other names: c.662_663del, p.Phe221fs (NM_001018036.3, NM_001142626.3); short protein forms F221fs.
Identifiers: ClinVar variation 2823778 (VCV002823778.3), dbSNP rs2503721224, ClinGen allele CA2739278366.